The following is an entry in ClinVar:

NM_000053.4(ATP7B):c.3321C>A (p.Ser1107Arg)

Gene: ATP7B (ATPase copper transporting beta; minus strand). Cytogenetic location: 13q14.3.
Variant type: single nucleotide variant.
Coding change: c.3321C>A on transcript NM_000053.4 (MANE Select); coding-DNA position 3321, C replaced by A.
Protein change: p.Ser1107Arg; replaces serine 1107 with arginine.
Molecular consequence: missense variant.
Genome position (GRCh38, 1-based): chr13:51,942,477, G>T on the plus strand (C>A on the coding strand, the complement: ATP7B is on the minus strand). VCF-style: chr13-51942477-G-T. GRCh37 (hg19) VCF-style: chr13-52516613-G-T.
Other names: c.2700C>A, p.Ser900Arg (NM_001005918.3); c.2988C>A, p.Ser996Arg (NM_001243182.2); c.3087C>A, p.Ser1029Arg (NM_001330578.2, NM_001406527.1, NM_001406528.1 and 1 more transcripts); c.3069C>A, p.Ser1023Arg (NM_001330579.2, NM_001406531.1, NM_001406532.1); c.3321C>A, p.Ser1107Arg (NM_001406511.1, NM_001406512.1, NM_001406526.1); c.3315C>A, p.Ser1105Arg (NM_001406513.1); c.3288C>A, p.Ser1096Arg (NM_001406514.1); c.3267C>A, p.Ser1089Arg (NM_001406515.1, NM_001406516.1); and 19 more; short protein forms S1011R, S1023R, S1027R, S1029R, S1042R, S1046R, S1048R, S1059R.
Identifiers: ClinVar variation 4758253 (VCV004758253.1).

ClinVar aggregate classification (germline): Uncertain significance (1 of 4 stars; one submission).

Conditions:
Wilson disease (WND). Also called: Wilson's disease. Identifiers: Orphanet 905, MedGen C0019202, MONDO:0010200, OMIM 277900. Disease mechanism: loss of function.

Submission:

Color Diagnostics, LLC DBA Color Health
Classification: Uncertain significance for Wilson disease. Last evaluated: 2025-11-03. Review status: criteria provided, single submitter. Criteria: ACMG Guidelines, 2015. Collection method: clinical testing. Allele origin: germline.
Comment: This missense variant replaces serine with arginine at codon 1107 of the ATP7B protein. Computational prediction suggests that this variant may have deleterious impact on protein structure and function. To our knowledge, functional studies have not been reported for this variant. This variant has not been reported in individuals affected with ATP7B-related disorders in the literature. This variant has not been identified in the general population by the Genome Aggregation Database (gnomAD). The available evidence is insufficient to determine the role of this variant in disease conclusively. Therefore, this variant is classified as a Variant of Uncertain Significance.